The following is an entry in ClinVar:

ClinVar aggregate classification (germline): Likely benign (0 of 4 stars; one submission).

Conditions:
XYLT1-related disorder. Also called: XYLT1-related condition.

Allele frequency attached by ClinVar (database versions not stated): gnomAD exomes below 0.00001.
gnomAD v4.1: 5 of 1,153,996 alleles (0.00043%); highest among the groups gnomAD compares: East Asian, 0.0081%; no homozygotes.

Submission:

PreventionGenetics, part of Exact Sciences
Classification: Likely benign for XYLT1-related condition. Last evaluated: 2019-07-30. Review status: no assertion criteria provided. Collection method: clinical testing. Allele origin: germline.
Comment: This variant is classified as likely benign based on ACMG/AMP sequence variant interpretation guidelines (Richards et al. 2015 PMID: 25741868, with internal and published modifications).

NM_022166.4(XYLT1):c.75G>C (p.Leu25=)

Gene: XYLT1 (xylosyltransferase 1; minus strand). Cytogenetic location: 16p12.3.
Variant type: single nucleotide variant.
Coding change: c.75G>C on transcript NM_022166.4 (MANE Select); coding-DNA position 75, G replaced by C.
Protein change: p.Leu25=; no amino-acid change (leucine 25 retained).
Molecular consequence: synonymous variant.
Genome position (GRCh38, 1-based): chr16:17,470,722, C>G on the plus strand (G>C on the coding strand, the complement: XYLT1 is on the minus strand). VCF-style: chr16-17470722-C-G. GRCh37 (hg19) VCF-style: chr16-17564579-C-G.
Identifiers: ClinVar variation 3035205 (VCV003035205.2), dbSNP rs1567215936, ClinGen allele CA493960377.